The following is an entry in ClinVar:

NM_020821.3(VPS13C):c.4268T>C (p.Ile1423Thr)

Gene: VPS13C (vacuolar protein sorting 13 homolog C; minus strand). Cytogenetic location: 15q22.2.
Variant type: single nucleotide variant.
Coding change: c.4268T>C on transcript NM_020821.3 (MANE Select); coding-DNA position 4268, T replaced by C.
Protein change: p.Ile1423Thr; replaces isoleucine 1423 with threonine.
Molecular consequence: missense variant.
Genome position (GRCh38, 1-based): chr15:61,954,452, A>G on the plus strand (T>C on the coding strand, the complement: VPS13C is on the minus strand). VCF-style: chr15-61954452-A-G. GRCh37 (hg19) VCF-style: chr15-62246651-A-G.
Other names: c.4268T>C, p.Ile1423Thr (NM_001018088.3); c.4139T>C, p.Ile1380Thr (NM_017684.5, NM_018080.4); short protein forms I1380T, I1423T.
Identifiers: ClinVar variation 2087297 (VCV002087297.4), dbSNP rs745544876, ClinGen allele CA7596156.

ClinVar aggregate classification (germline): Uncertain significance (1 of 4 stars; one submission).

Allele frequency attached by ClinVar (database versions not stated): gnomAD exomes below 0.00001; ExAC 0.00001.
gnomAD v4.1: 1 of 1,606,808 alleles (0.000062%); highest among the groups gnomAD compares: Non-Finnish European, 0.000085%; no homozygotes.

Submission:

Labcorp Genetics (formerly Invitae), Labcorp
Classification: Uncertain significance. Last evaluated: 2022-09-12. Review status: criteria provided, single submitter. Criteria: Invitae Variant Classification Sherloc (09022015). Collection method: clinical testing. Allele origin: germline.
Comment: In summary, the available evidence is currently insufficient to determine the role of this variant in disease. Therefore, it has been classified as a Variant of Uncertain Significance. Advanced modeling of protein sequence and biophysical properties (such as structural, functional, and spatial information, amino acid conservation, physicochemical variation, residue mobility, and thermodynamic stability) performed at Invitae indicates that this missense variant is not expected to disrupt VPS13C protein function. This variant has not been reported in the literature in individuals affected with VPS13C-related conditions. This variant is present in population databases (rs745544876, gnomAD 0.0009%). This sequence change replaces isoleucine, which is neutral and non-polar, with threonine, which is neutral and polar, at codon 1423 of the VPS13C protein (p.Ile1423Thr).